The following is an entry in ClinVar:

ClinVar aggregate classification (germline): Uncertain significance (1 of 4 stars; one submission).

Conditions:
Early-infantile DEE. Also called: Early infantile epileptic encephalopathy with suppression bursts; Early infantile epileptic encephalopathy; Ohtahara syndrome. Identifiers: Orphanet 1934, MedGen C0393706, MONDO:0800491.

Submission:

Labcorp Genetics (formerly Invitae), Labcorp
Classification: Uncertain significance for Early-infantile DEE. Last evaluated: 2023-10-16. Review status: criteria provided, single submitter. Criteria: Invitae Variant Classification Sherloc (09022015). Collection method: clinical testing. Allele origin: germline.
Comment: This sequence change creates a premature translational stop signal (p.Val651Argfs*18) in the ARHGEF15 gene. It is expected to result in an absent or disrupted protein product. However, the current clinical and genetic evidence is not sufficient to establish whether loss-of-function variants in ARHGEF15 cause disease. The frequency data for this variant in the population databases is considered unreliable, as metrics indicate poor data quality at this position in the gnomAD database. This variant has not been reported in the literature in individuals affected with ARHGEF15-related conditions. ClinVar contains an entry for this variant (Variation ID: 1364273). In summary, the available evidence is currently insufficient to determine the role of this variant in disease. Therefore, it has been classified as a Variant of Uncertain Significance.

NM_173728.4(ARHGEF15):c.1949dup (p.Val651fs)

Gene: ARHGEF15 (Rho guanine nucleotide exchange factor 15; plus strand). Cytogenetic location: 17p13.1.
Variant type: Duplication.
Coding change: c.1949dup on transcript NM_173728.4 (MANE Select); coding-DNA position 1949, one base duplicated (G; older notation c.1949dupG).
Protein change: p.Val651fs; shifts the reading frame from valine 651.
Molecular consequence: frameshift variant.
Genome position (GRCh38, 1-based): chr17:8,318,826, G duplicated; the last of 7 consecutive G bases (chr17:8,318,820-8,318,826); duplicating any one gives the same sequence. VCF-style (leftmost placement, unchanged base first): chr17-8318819-A-AG. GRCh37 (hg19) VCF-style: chr17-8222137-A-AG.
Other names: c.1949dup, p.Val651fs (NM_025014.2); short protein forms V651fs.
Identifiers: ClinVar variation 1364273 (VCV001364273.5), dbSNP rs752138065, ClinGen allele CA8375359.